The following is an entry in ClinVar:

ClinVar aggregate classification (germline): Uncertain significance. Review status: criteria provided, multiple submitters, no conflicts (2 of 4 stars). 2 submissions from 2 submitters: Uncertain significance (2). Last evaluated 2025-06-24.

Conditions:
Inborn genetic diseases. Identifiers: MedGen C0950123, MeSH D030342.

Submissions (2):

Ambry Genetics
Classification: Uncertain significance for Inborn genetic diseases. Last evaluated: 2025-06-24. Review status: criteria provided, single submitter. Criteria: Ambry Variant Classification Scheme 2023. Collection method: clinical testing. Allele origin: germline.

Labcorp Genetics (formerly Invitae), Labcorp
Classification: Uncertain significance. Last evaluated: 2025-06-17. Review status: criteria provided, single submitter. Criteria: Invitae Variant Classification Sherloc (09022015). Collection method: clinical testing. Allele origin: germline.
Comment: This sequence change replaces glycine, which is neutral and non-polar, with alanine, which is neutral and non-polar, at codon 1022 of the DUOX2 protein (p.Gly1022Ala). This variant is present in population databases (no rsID available, gnomAD 0.01%). This variant has not been reported in the literature in individuals affected with DUOX2-related conditions. ClinVar contains an entry for this variant (Variation ID: 1948550). Invitae Evidence Modeling of protein sequence and biophysical properties (such as structural, functional, and spatial information, amino acid conservation, physicochemical variation, residue mobility, and thermodynamic stability) indicates that this missense variant is not expected to disrupt DUOX2 protein function with a negative predictive value of 80%. In summary, the available evidence is currently insufficient to determine the role of this variant in disease. Therefore, it has been classified as a Variant of Uncertain Significance.

NM_001363711.2(DUOX2):c.3065G>C (p.Gly1022Ala)

Gene: DUOX2 (dual oxidase 2; minus strand). Cytogenetic location: 15q21.1.
Variant type: single nucleotide variant.
Coding change: c.3065G>C on transcript NM_001363711.2 (MANE Select); coding-DNA position 3065, G replaced by C.
Protein change: p.Gly1022Ala; replaces glycine 1022 with alanine.
Molecular consequence: missense variant.
Genome position (GRCh38, 1-based): chr15:45,100,169, C>G on the plus strand (G>C on the coding strand, the complement: DUOX2 is on the minus strand). VCF-style: chr15-45100169-C-G. GRCh37 (hg19) VCF-style: chr15-45392367-C-G.
Other names: c.3065G>C (NM_014080.4); c.3065G>C, p.Gly1022Ala (NM_014080.5); short protein forms G1022A.
Identifiers: ClinVar variation 1948550 (VCV001948550.5), dbSNP rs1051588765, ClinGen allele CA270123386.